The following is an entry in ClinVar:

NM_003737.4(DCHS1):c.7202C>T (p.Thr2401Ile)

Gene: DCHS1 (dachsous cadherin-related 1; minus strand). Cytogenetic location: 11p15.4.
Variant type: single nucleotide variant.
Coding change: c.7202C>T on transcript NM_003737.4 (MANE Select); coding-DNA position 7202, C replaced by T.
Protein change: p.Thr2401Ile; replaces threonine 2401 with isoleucine.
Molecular consequence: missense variant.
Genome position (GRCh38, 1-based): chr11:6,624,813, G>A on the plus strand (C>T on the coding strand, the complement: DCHS1 is on the minus strand). VCF-style: chr11-6624813-G-A. GRCh37 (hg19) VCF-style: chr11-6646044-G-A.
Other names: short protein forms T2401I.
Identifiers: ClinVar variation 4742964 (VCV004742964.1).
Genomic context (GRCh38, chr11:6,624,813, plus strand): 5'-CCATCGGCAGGGGAAGCCAGGTGGTAGGAAATGTGACCGTTGGCACCTGAGTCCCGATCA[G>A]TGGCAGAGACGGAGAGAATGGCACTGCCTGGGGGTGTGTGCTCAAGCAGCATTACCTGAA-3'
Protein context (NP_003728.1, residues 2391-2411): PGSAILSVSA[Thr2401Ile]DRDSGANGHI

ClinVar aggregate classification (germline): Uncertain significance (1 of 4 stars; one submission).

Submission:

Labcorp Genetics (formerly Invitae), Labcorp
Classification: Uncertain significance. Last evaluated: 2025-11-10. Review status: criteria provided, single submitter. Criteria: Invitae Variant Classification Sherloc (09022015). Collection method: clinical testing. Allele origin: germline.
Comment: This sequence change replaces threonine, which is neutral and polar, with isoleucine, which is neutral and non-polar, at codon 2401 of the DCHS1 protein (p.Thr2401Ile). This variant is not present in population databases (gnomAD no frequency). This variant has not been reported in the literature in individuals affected with DCHS1-related conditions. Invitae Evidence Modeling of protein sequence and biophysical properties (such as structural, functional, and spatial information, amino acid conservation, physicochemical variation, residue mobility, and thermodynamic stability) indicates that this missense variant is not expected to disrupt DCHS1 protein function with a negative predictive value of 80%. In summary, the available evidence is currently insufficient to determine the role of this variant in disease. Therefore, it has been classified as a Variant of Uncertain Significance.